The following is an entry in ClinVar:

NM_001365536.1(SCN9A):c.-294T>C

Gene: SCN9A (sodium voltage-gated channel alpha subunit 9; minus strand). Cytogenetic location: 2q24.3.
Variant type: single nucleotide variant.
Coding change: c.-294T>C on transcript NM_001365536.1 (MANE Select); 294 bases upstream of the start codon, T replaced by C.
Molecular consequence: 5 prime UTR variant.
Genome position (GRCh38, 1-based): chr2:166,375,940, A>G on the plus strand (T>C on the coding strand, the complement: SCN9A is on the minus strand). VCF-style: chr2-166375940-A-G. GRCh37 (hg19) VCF-style: chr2-167232450-A-G.
Other names: c.-294T>C (NM_002977.4).
Identifiers: ClinVar variation 332006 (VCV000332006.6), dbSNP rs141521157, ClinGen allele CA10611251.
Genomic context (GRCh38, chr2:166,375,940, plus strand): 5'-GAGCTGGCGGAATTGGAAAGCCGACAGCCGCCGCTGGAGCGCTGGCGACCGCCTGCAAGC[A>G]GACTGCGCCCCTCCTGCCAGGGCGCGCCCGTGGAGGTAGCAGCCCCGCCTCCCCGAGGGC-3'

ClinVar aggregate classification (germline): Benign/Likely benign. Review status: criteria provided, single submitter (1 of 4 stars). 3 submissions from 1 submitter: Benign (2); Likely benign (1). Last evaluated 2018-01-13.

Conditions:
Channelopathy-associated congenital insensitivity to pain, autosomal recessive. Also called: Insensitivity to pain, channelopathy-associated; ASYMBOLIA FOR PAIN; CONGENITAL ANALGESIA, AUTOSOMAL RECESSIVE. Identifiers: Orphanet 88642, Orphanet 970, MedGen C1855739, MONDO:0009459, OMIM 243000.
Paroxysmal extreme pain disorder (PEXPD). Also called: PAIN, SUBMANDIBULAR, OCULAR, AND RECTAL, WITH FLUSHING; RECTAL PAIN, FAMILIAL; SCN9A Paroxysmal Extreme Pain Disorder (SCN9A-PEPD). Identifiers: Orphanet 46348, MedGen C1833661, MONDO:0008179, OMIM 167400.
Primary erythromelalgia. Also called: SCN9A Erythromelalgia (SCN9A-EM); primary erythermalgia. Identifiers: Orphanet 306577, Orphanet 90026, MedGen C0014805, MONDO:0007571, OMIM 133020.

Allele frequency attached by ClinVar (database versions not stated): 1000 Genomes Project 0.00280; 1000 Genomes Project 30x 0.00312; TOPMed 0.00386; gnomAD 0.00692 and 0.00704; gnomAD exomes 0.02083.
gnomAD v4.1: 1,039 of 152,340 alleles (0.68%); highest among the groups gnomAD compares: Non-Finnish European, 0.74%; 16 homozygotes.

Submissions (3):

Illumina Laboratory Services, Illumina
Classification: Benign for Primary erythromelalgia. Last evaluated: 2018-01-13. Review status: criteria provided, single submitter. Criteria: ICSL Variant Classification Criteria 13 December 2019. Collection method: clinical testing. Allele origin: germline.
Comment: This variant was observed in the ICSL laboratory as part of a predisposition screen in an ostensibly healthy population. It had not been previously curated by ICSL or reported in the Human Gene Mutation Database (HGMD: prior to June 1st, 2018), and was therefore a candidate for classification through an automated scoring system. Utilizing variant allele frequency, disease prevalence and penetrance estimates, and inheritance mode, an automated score was calculated to assess if this variant is too frequent to cause the disease. Based on the score and internal cut-off values, a variant classified as benign is not then subjected to further curation. The score for this variant resulted in a classification of benign for this disease.

Illumina Laboratory Services, Illumina
Classification: Likely benign for Channelopathy-associated congenital insensitivity to pain, autosomal recessive. Last evaluated: 2018-01-13. Review status: criteria provided, single submitter. Criteria: ICSL Variant Classification Criteria 13 December 2019. Collection method: clinical testing. Allele origin: germline.
Comment: This variant was observed in the ICSL laboratory as part of a predisposition screen in an ostensibly healthy population. It had not been previously curated by ICSL or reported in the Human Gene Mutation Database (HGMD: prior to June 1st, 2018), and was therefore a candidate for classification through an automated scoring system. Utilizing variant allele frequency, disease prevalence and penetrance estimates, and inheritance mode, an automated score was calculated to assess if this variant is too frequent to cause the disease. Based on the score and internal cut-off values, a variant classified as likely benign is not then subjected to further curation. The score for this variant resulted in a classification of likely benign for this disease.

Illumina Laboratory Services, Illumina
Classification: Benign for Paroxysmal extreme pain disorder. Last evaluated: 2018-01-13. Review status: criteria provided, single submitter. Criteria: ICSL Variant Classification Criteria 13 December 2019. Collection method: clinical testing. Allele origin: germline.
Comment: the same text as in the submission from Illumina Laboratory Services, Illumina above.